The following is an entry in ClinVar:

NM_005689.4(ABCB6):c.1324A>G (p.Met442Val)

Gene: ABCB6 (ATP binding cassette subfamily B member 6 (LAN blood group); minus strand). Cytogenetic location: 2q35.
Variant type: single nucleotide variant.
Coding change: c.1324A>G on transcript NM_005689.4 (MANE Select); coding-DNA position 1324, A replaced by G.
Protein change: p.Met442Val; replaces methionine 442 with valine.
Molecular consequence: missense variant.
Genome position (GRCh38, 1-based): chr2:219,214,451, T>C on the plus strand (A>G on the coding strand, the complement: ABCB6 is on the minus strand). VCF-style: chr2-219214451-T-C. GRCh37 (hg19) VCF-style: chr2-220079173-T-C.
Other names: c.1186A>G, p.Met396Val (NM_001349828.2); short protein forms M396V, M442V.
Identifiers: ClinVar variation 2981219 (VCV002981219.3), dbSNP rs766418504, ClinGen allele CA2119453.
Genomic context (GRCh38, chr2:219,214,451, plus strand): 5'-TCTCGAAGTTTAGCAGAGAGTCCACTGCTCGTGCCCGGGTAGCGTTCTCCTGTGTGTTCA[T>C]AGCACGACGAAACTTGGTTCTCCACTCAGTGACCACAATGGTCAGGGCTGGAGAGTGACA-3'
Protein context (NP_005680.1, residues 432-452): TEWRTKFRRA[Met442Val]NTQENATRAR

ClinVar aggregate classification (germline): Uncertain significance (1 of 4 stars; one submission).

Allele frequency attached by ClinVar (database versions not stated): ExAC 0.00001; gnomAD 0.00001; gnomAD exomes 0.00001.
gnomAD v4.1: 14 of 1,614,044 alleles (0.00087%); highest among the groups gnomAD compares: Middle Eastern, 0.016%; no homozygotes.

Submission:

Labcorp Genetics (formerly Invitae), Labcorp
Classification: Uncertain significance. Last evaluated: 2023-02-16. Review status: criteria provided, single submitter. Criteria: Invitae Variant Classification Sherloc (09022015). Collection method: clinical testing. Allele origin: germline.
Comment: This sequence change replaces methionine, which is neutral and non-polar, with valine, which is neutral and non-polar, at codon 442 of the ABCB6 protein (p.Met442Val). This variant is present in population databases (rs766418504, gnomAD 0.0009%). This variant has not been reported in the literature in individuals affected with ABCB6-related conditions. An algorithm developed to predict the effect of missense changes on protein structure and function (PolyPhen-2) suggests that this variant is likely to be disruptive. In summary, the available evidence is currently insufficient to determine the role of this variant in disease. Therefore, it has been classified as a Variant of Uncertain Significance.